The following is an entry in ClinVar:

NM_001128840.3(CACNA1D):c.2336+7del

Gene: CACNA1D (calcium voltage-gated channel subunit alpha1 D; plus strand). Cytogenetic location: 3p21.1.
Variant type: Deletion.
Coding change: c.2336+7del on transcript NM_001128840.3 (MANE Select); 7 bases into the intron after coding-DNA position 2336, one base deleted (C; older notation c.2336+7delC).
Molecular consequence: intron variant.
Genome position (GRCh38, 1-based): chr3:53,730,563, C deleted; the last of 3 consecutive C bases (chr3:53,730,561-53,730,563); deleting any one gives the same sequence. VCF-style (leftmost placement, unchanged base first): chr3-53730560-AC-A. GRCh37 (hg19) VCF-style: chr3-53764587-AC-A.
Other names: c.2336+7del (NM_001128839.3); c.2396+7del (NM_000720.4); c.2396+7delC (NM_000720.3).
Identifiers: ClinVar variation 1957709 (VCV001957709.6), dbSNP rs1025522486, ClinGen allele CA74852238.

ClinVar aggregate classification (germline): Likely benign. Review status: criteria provided, multiple submitters, no conflicts (2 of 4 stars). 2 submissions from 2 submitters: Likely benign (2). Last evaluated 2026-06-24.

Conditions:
CACNA1D-related disorder.

Submissions (2):

PreventionGenetics, part of Exact Sciences
Classification: Likely benign for CACNA1D-related condition. Last evaluated: 2026-06-24. Review status: criteria provided, single submitter. Criteria: ACMG Guidelines, 2015. Collection method: clinical testing. Allele origin: germline.
Comment: This variant is classified as likely benign based on ACMG/AMP sequence variant interpretation guidelines (Richards et al. 2015 PMID: 25741868, with internal and published modifications).

Labcorp Genetics (formerly Invitae), Labcorp
Classification: Likely benign. Last evaluated: 2025-10-06. Review status: criteria provided, single submitter. Criteria: Invitae Variant Classification Sherloc (09022015). Collection method: clinical testing. Allele origin: germline.